The following is an entry in ClinVar:

ClinVar aggregate classification (germline): Uncertain significance (1 of 4 stars; one submission).

Conditions:
Fanconi anemia (FA). Also called: Fanconi's anemia. Identifiers: Orphanet 84, MedGen C0015625, MeSH D005199, MONDO:0019391.

Allele frequency attached by ClinVar (database versions not stated): TOPMed below 0.00001.

Submission:

Sema4
Classification: Uncertain significance for Fanconi anemia. Last evaluated: 2022-03-10. Review status: criteria provided, single submitter. Criteria: Sema4 Curation Guidelines. Collection method: curation. Allele origin: germline.
Comment: The FANCI c.1444A>G (p.T482A) variant has not been reported in the literature to our knowledge. It was not observed in the large and broad cohorts of the Genome Aggregation Database (PMID: 32461654). The variant has not been reported in ClinVar. Functional studies have not been performed, and in silico predictions of the variant's effect on protein function are inconclusive. The evidence is insufficient to meet ACMG/AMP criteria for classifying the variant as benign or pathogenic. Thus, the clinical significance of this variant is currently uncertain.

NM_001113378.2(FANCI):c.1444A>G (p.Thr482Ala)

Gene: FANCI (FA complementation group I; plus strand). Cytogenetic location: 15q26.1.
Variant type: single nucleotide variant.
Coding change: c.1444A>G on transcript NM_001113378.2 (MANE Select); coding-DNA position 1444, A replaced by G.
Protein change: p.Thr482Ala; replaces threonine 482 with alanine.
Molecular consequence: missense variant.
Genome position (GRCh38, 1-based): chr15:89,281,232, A>G. VCF-style: chr15-89281232-A-G. GRCh37 (hg19) VCF-style: chr15-89824463-A-G.
Other names: c.1165A>G, p.Thr389Ala (NM_001376910.1); c.1444A>G, p.Thr482Ala (NM_001376911.1, NM_018193.3); short protein forms T389A, T482A.
Identifiers: ClinVar variation 1692555 (VCV001692555.1), dbSNP rs1249221854, ClinGen allele CA393743663.